The following is an entry in ClinVar:

NM_000918.4(P4HB):c.1356G>T (p.Arg452Ser)

Gene: P4HB (prolyl 4-hydroxylase subunit beta; minus strand). Cytogenetic location: 17q25.3.
Variant type: single nucleotide variant.
Coding change: c.1356G>T on transcript NM_000918.4 (MANE Select); coding-DNA position 1356, G replaced by T.
Protein change: p.Arg452Ser; replaces arginine 452 with serine.
Molecular consequence: missense variant.
Genome position (GRCh38, 1-based): chr17:81,845,564, C>A on the plus strand (G>T on the coding strand, the complement: P4HB is on the minus strand). VCF-style: chr17-81845564-C-A. GRCh37 (hg19) VCF-style: chr17-79803440-C-A.
Other names: short protein forms R452S.
Identifiers: ClinVar variation 3658211 (VCV003658211.2).

ClinVar aggregate classification (germline): Uncertain significance (1 of 4 stars; one submission).

Submission:

Labcorp Genetics (formerly Invitae), Labcorp
Classification: Uncertain significance. Last evaluated: 2024-06-29. Review status: criteria provided, single submitter. Criteria: Invitae Variant Classification Sherloc (09022015). Collection method: clinical testing. Allele origin: germline.
Comment: This sequence change replaces arginine, which is basic and polar, with serine, which is neutral and polar, at codon 452 of the P4HB protein (p.Arg452Ser). This variant is not present in population databases (gnomAD no frequency). This variant has not been reported in the literature in individuals affected with P4HB-related conditions. Advanced modeling of protein sequence and biophysical properties (such as structural, functional, and spatial information, amino acid conservation, physicochemical variation, residue mobility, and thermodynamic stability) performed at Invitae indicates that this missense variant is not expected to disrupt P4HB protein function with a negative predictive value of 80%. Algorithms developed to predict the effect of sequence changes on RNA splicing suggest that this variant may create or strengthen a splice site. In summary, the available evidence is currently insufficient to determine the role of this variant in disease. Therefore, it has been classified as a Variant of Uncertain Significance.